The following is an entry in ClinVar:

NM_002250.3(KCNN4):c.371G>C (p.Gly124Ala)

Gene: KCNN4 (potassium calcium-activated channel subfamily N member 4; minus strand). Cytogenetic location: 19q13.31.
Variant type: single nucleotide variant.
Coding change: c.371G>C on transcript NM_002250.3 (MANE Select); coding-DNA position 371, G replaced by C.
Protein change: p.Gly124Ala; replaces glycine 124 with alanine.
Molecular consequence: missense variant.
Genome position (GRCh38, 1-based): chr19:43,774,504, C>G on the plus strand (G>C on the coding strand, the complement: KCNN4 is on the minus strand). VCF-style: chr19-43774504-C-G. GRCh37 (hg19) VCF-style: chr19-44278656-C-G.
Other names: short protein forms G124A.
Identifiers: ClinVar variation 4997338 (VCV004997338.1).

ClinVar aggregate classification (germline): Uncertain significance (1 of 4 stars; one submission).

Conditions:
KCNN4-related disorder. Also called: KCNN4-related condition.

Submission:

PreventionGenetics, part of Exact Sciences
Classification: Uncertain significance for KCNN4-related condition. Last evaluated: 2024-11-30. Review status: criteria provided, single submitter. Criteria: ACMG Guidelines, 2015. Collection method: clinical testing. Allele origin: germline.
Comment: The KCNN4 c.371G>C variant is predicted to result in the amino acid substitution p.Gly124Ala. To our knowledge, this variant has not been reported in the literature or in a large population database (gnomAD), indicating this variant is rare. At this time, the clinical significance of this variant is uncertain due to the absence of conclusive functional and genetic evidence.